The following is an entry in ClinVar:

ClinVar aggregate classification (germline): Uncertain significance (1 of 4 stars; one submission).

Allele frequency attached by ClinVar (database versions not stated): gnomAD exomes 0.00002; ExAC 0.00003.
gnomAD v4.1: 24 of 1,614,242 alleles (0.0015%); highest among the groups gnomAD compares: South Asian, 0.026%; no homozygotes.

Submission:

Labcorp Genetics (formerly Invitae), Labcorp
Classification: Uncertain significance. Last evaluated: 2022-07-05. Review status: criteria provided, single submitter. Criteria: Invitae Variant Classification Sherloc (09022015). Collection method: clinical testing. Allele origin: germline.
Comment: This variant has not been reported in the literature in individuals affected with NLRP1-related conditions. Algorithms developed to predict the effect of missense changes on protein structure and function (SIFT, PolyPhen-2, Align-GVGD) all suggest that this variant is likely to be tolerated. This variant is present in population databases (rs747688853, gnomAD 0.03%). This sequence change replaces arginine, which is basic and polar, with serine, which is neutral and polar, at codon 298 of the NLRP1 protein (p.Arg298Ser). In summary, the available evidence is currently insufficient to determine the role of this variant in disease. Therefore, it has been classified as a Variant of Uncertain Significance.

NM_033004.4(NLRP1):c.894A>C (p.Arg298Ser)

Gene: NLRP1 (NLR family pyrin domain containing 1; minus strand). Cytogenetic location: 17p13.2.
Variant type: single nucleotide variant.
Coding change: c.894A>C on transcript NM_033004.4 (MANE Select); coding-DNA position 894, A replaced by C.
Protein change: p.Arg298Ser; replaces arginine 298 with serine.
Molecular consequence: missense variant.
Genome position (GRCh38, 1-based): chr17:5,559,802, T>G on the plus strand (A>C on the coding strand, the complement: NLRP1 is on the minus strand). VCF-style: chr17-5559802-T-G. GRCh37 (hg19) VCF-style: chr17-5463122-T-G.
Other names: c.894A>C, p.Arg298Ser (NM_001033053.3, NM_014922.5, NM_033006.4 and 1 more transcripts); short protein forms R298S.
Identifiers: ClinVar variation 2044068 (VCV002044068.4), dbSNP rs747688853, ClinGen allele CA8327468.
Genomic context (GRCh38, chr17:5,559,802, plus strand): 5'-AAATAAGTCTCTGATCTCAATTAAATGTCCTCGATTCTCCTCCACATAATCAGGCCAGCT[T>G]CTCTTGACCAGGGGATCTTGGCTTCTGGGGTGAGGTCTTTGTAGAAGTAGCAGCTGTGTG-3'
Protein context (NP_127497.1, residues 288-308): HPRSQDPLVK[Arg298Ser]SWPDYVEENR